The following is an entry in ClinVar:

ClinVar aggregate classification (germline): Pathogenic. Review status: criteria provided, multiple submitters, no conflicts (2 of 4 stars). 2 submissions from 2 submitters: Pathogenic (2). Last evaluated 2025-06-23.

Conditions:
Recessive dystrophic epidermolysis bullosa (RDEB). Also called: Hallopeau-Siemens Disease; DYSTROPHIC EPIDERMOLYSIS BULLOSA, AUTOSOMAL RECESSIVE; EPIDERMOLYSIS BULLOSA DYSTROPHICA, HALLOPEAU-SIEMENS TYPE; EPIDERMOLYSIS BULLOSA DYSTROPHICA, GENERALIZED SEVERE, AUTOSOMAL RECESSIVE; epidermolysis bullosa dystrophica, autosomal recessive; Recessive DEB (RDEB). Identifiers: Orphanet 79408, Orphanet 79409, MedGen C0079474, MONDO:0009179, OMIM 226600.

Submissions (2):

Labcorp Genetics (formerly Invitae), Labcorp
Classification: Pathogenic. Last evaluated: 2025-06-23. Review status: criteria provided, single submitter. Criteria: Invitae Variant Classification Sherloc (09022015). Collection method: clinical testing. Allele origin: germline.
Comment: This variant results in the deletion of part of exon 112 (c.8357_8358+4del) of the COL7A1 gene. It is expected to disrupt RNA splicing. Variants that disrupt the donor or acceptor splice site typically lead to a loss of protein function (PMID: 16199547), and loss-of-function variants in COL7A1 are known to be pathogenic (PMID: 16971478). This variant is not present in population databases (gnomAD no frequency). This variant has been observed in individual(s) with autosomal recessive dystrophic epidermolysis bullosa (PMID: 35979658). ClinVar contains an entry for this variant (Variation ID: 1676613). For these reasons, this variant has been classified as Pathogenic.

Center for Research in Genodermatoses and Epidermolysis Bullosa, University of Buenos Aires
Classification: Pathogenic for Recessive dystrophic epidermolysis bullosa. Last evaluated: 2022-03-14. Review status: criteria provided, single submitter. Criteria: ACMG Guidelines, 2015. Collection method: clinical testing. Allele origin: germline. Affected: yes. Observed: 3 variant alleles, 3 compound heterozygotes.

Literature cited by the submitters: PubMed 16199547 (cited by Labcorp Genetics (formerly Invitae), Labcorp); PubMed 16971478 (cited by Labcorp Genetics (formerly Invitae), Labcorp); PubMed 35979658 (cited by Labcorp Genetics (formerly Invitae), Labcorp and Center for Research in Genodermatoses and Epidermolysis Bullosa, University of Buenos Aires).

NM_000094.4(COL7A1):c.8357_8358+4del

Gene: COL7A1 (collagen type VII alpha 1 chain; minus strand). Cytogenetic location: 3p21.31.
Variant type: Deletion.
Coding change: c.8357_8358+4del on transcript NM_000094.4 (MANE Select); coding-DNA position 8357 through 4 bases into the intron after coding-DNA position 8358, 6 bases deleted (CGGTGA; older notation c.8357_8358+4delCGGTGA).
Molecular consequence: splice donor variant.
Genome position (GRCh38, 1-based): chr3:48,566,506-48,566,511, TCACCG deleted on the plus strand (CGGTGA on the coding strand, the reverse complement: COL7A1 is on the minus strand); deleting any 6 consecutive bases within chr3:48,566,506-48,566,514 gives the same sequence; the c. name uses the placement nearest the transcript's 3' end. VCF-style (leftmost placement, unchanged base first): chr3-48566505-CTCACCG-C. GRCh37 (hg19) VCF-style: chr3-48603938-CTCACCG-C.
Identifiers: ClinVar variation 1676613 (VCV001676613.2), dbSNP rs2107631188, ClinGen allele CA2580070090.
Genomic context (GRCh38, chr3:48,566,505, plus strand): 5'-AGGTAGGGCCCCAGCCCACCCAGGCCCACCCAGGCCCTCCCAGGCCCATCCAGGCCCACA[CTCACCG>C]TCAGTGCAGCTTCTCCCTTCTCGCCTCGAGGACCGGCAGGCCCTGGCCGCCCCTATGTGC-3'